The following is an entry in ClinVar:

ClinVar aggregate classification (germline): Likely benign. Review status: criteria provided, multiple submitters, no conflicts (2 of 4 stars). 6 submissions from 6 submitters: Likely benign (6). Last evaluated 2026-09-01.

Conditions:
TTN-related disorder. Also called: TTN-related disorders; TTN-related condition; TTN-related disease.
Dilated cardiomyopathy 1G (CMD1G). Identifiers: Orphanet 154, MedGen C1858763, MONDO:0011400, OMIM 604145.
Autosomal recessive limb-girdle muscular dystrophy type 2J (LGMDR10). Also called: Limb-girdle muscular dystrophy, type 2J; MUSCULAR DYSTROPHY, LIMB-GIRDLE, AUTOSOMAL RECESSIVE 10. Identifiers: Orphanet 140922, MedGen C1837342, MONDO:0012127, OMIM 608807.
Cardiomyopathy (CMYO). Also called: Cardiomyopathies. Identifiers: Orphanet 167848, MedGen C0878544, MONDO:0004994, HP:0001638. Inheritance: Various modes of inheritance.

Allele frequency attached by ClinVar (database versions not stated): gnomAD 0.00004 and 0.00005; TOPMed 0.00005; gnomAD exomes 0.00006 and 0.00008; ExAC 0.00007; ESP Exome Variant Server 0.00016.
gnomAD v4.1: 129 of 1,613,220 alleles (0.008%); highest among the groups gnomAD compares: Middle Eastern, 0.016%; no homozygotes.

Submissions (6):

CeGaT Center for Human Genetics Tuebingen
Classification: Likely benign. Last evaluated: 2026-09-01. Review status: criteria provided, single submitter. Criteria: CeGaT Center For Human Genetics Tuebingen Variant Classification Criteria Version 2. Collection method: clinical testing. Allele origin: germline. Affected: yes. Observed: 2 variant alleles.
Comment: TTN: BP4, BP7

Labcorp Genetics (formerly Invitae), Labcorp
Classification: Likely benign for Dilated cardiomyopathy 1G; Autosomal recessive limb-girdle muscular dystrophy type 2J. Last evaluated: 2026-02-02. Review status: criteria provided, single submitter. Criteria: Invitae Variant Classification Sherloc (09022015). Collection method: clinical testing. Allele origin: germline.

PreventionGenetics, part of Exact Sciences
Classification: Likely benign for TTN-related condition. Last evaluated: 2025-08-28. Review status: criteria provided, single submitter. Criteria: ACMG Guidelines, 2015. Collection method: clinical testing. Allele origin: germline.
Comment: This variant is classified as likely benign based on ACMG/AMP sequence variant interpretation guidelines (Richards et al. 2015 PMID: 25741868, with internal and published modifications).

Blueprint Genetics
Classification: Likely benign. Last evaluated: 2024-10-04. Review status: criteria provided, single submitter. Criteria: ACMG Guidelines, 2015. Collection method: clinical testing. Allele origin: germline.

ARUP Laboratories, Molecular Genetics and Genomics, ARUP Laboratories
Classification: Likely benign. Last evaluated: 2019-06-11. Review status: criteria provided, single submitter. Criteria: ARUP Molecular Germline Variant Investigation Process. Collection method: clinical testing. Allele origin: germline.

CHEO Genetics Diagnostic Laboratory, Children's Hospital of Eastern Ontario
Classification: Likely benign for Cardiomyopathy. Last evaluated: 2018-03-05. Review status: criteria provided, single submitter. Criteria: ACMG Guidelines, 2015. Collection method: clinical testing. Allele origin: germline.

NM_001267550.2(TTN):c.16302C>T (p.Ser5434=)

Gene: TTN (titin; minus strand). Cytogenetic location: 2q31.2.
Variant type: single nucleotide variant.
Coding change: c.16302C>T on transcript NM_001267550.2 (MANE Select); coding-DNA position 16302, C replaced by T.
Protein change: p.Ser5434=; no amino-acid change (serine 5434 retained).
Molecular consequence: synonymous variant. On other transcripts: intron variant (3).
Genome position (GRCh38, 1-based): chr2:178,732,874, G>A on the plus strand (C>T on the coding strand, the complement: TTN is on the minus strand). VCF-style: chr2-178732874-G-A. GRCh37 (hg19) VCF-style: chr2-179597601-G-A.
Other names: c.15351C>T, p.Ser5117= (NM_001256850.1); c.12570C>T, p.Ser4190= (NM_133378.4); c.13282+5208C>T (NM_003319.4); c.13858+5208C>T (NM_133437.4); c.13657+5208C>T (NM_133432.3).
Identifiers: ClinVar variation 696414 (VCV000696414.26), dbSNP rs370615208, ClinGen allele CA2002052.
Genomic context (GRCh38, chr2:178,732,874, plus strand): 5'-ATGCAAAGTCTCCAGCCAACCTTGCACAATCAGGGCTCCACTGCTGTCTTTGCTTCCCAC[G>A]GAATTTGTGGCTCGACAAGTGAAATTCCCTGCATCATTCATGTCTACTCTGATGATCTCC-3'
Protein context (NP_001254479.2, residues 5424-5444): AGNFTCRATN[Ser5434=]VGSKDSSGAL